The following is an entry in ClinVar:

NM_001775.4(CD38):c.752+2T>C

Gene: CD38 (CD38 molecule; plus strand). Cytogenetic location: 4p15.32.
Variant type: single nucleotide variant.
Coding change: c.752+2T>C on transcript NM_001775.4 (MANE Select); the canonical splice donor site of the intron after coding-DNA position 752, T replaced by C.
Molecular consequence: splice donor variant.
Genome position (GRCh38, 1-based): chr4:15,840,120, T>C. VCF-style: chr4-15840120-T-C. GRCh37 (hg19) VCF-style: chr4-15841743-T-C.
Identifiers: ClinVar variation 4279962 (VCV004279962.1).

ClinVar aggregate classification (germline): Uncertain significance (1 of 4 stars; one submission).

Conditions:
ADNP-related multiple congenital anomalies - intellectual disability - autism spectrum disorder. Also called: Helsmoortel-Van der Aa Syndrome; ADNP-Related Helsmoortel-Van der Aa Syndrome. Identifiers: Orphanet 404448, MedGen C4014538, MONDO:0014379, OMIM 615873. Disease mechanism: loss of function.

Submission:

Clinical Genomics Laboratory, Washington University in St. Louis
Classification: Uncertain significance for ADNP-related multiple congenital anomalies - intellectual disability - autism spectrum disorder. Last evaluated: 2025-09-05. Review status: criteria provided, single submitter. Criteria: ACMG Guidelines, 2015. Collection method: clinical testing. Allele origin: germline.
Comment: The CD38 c.752+2T>C variant, to our knowledge, has not been reported in the medical literature. This variant is absent from the general population (gnomAD v.2.1.1), indicating it is not a common variant. This variant occurs within the canonical splice donor site, which is predicted to cause skipping of the exon, leading to an in-frame transcript. Due to limited information, the clinical significance of this variant is uncertain.